The following is an entry in ClinVar:

ClinVar aggregate classification (germline): Uncertain significance (1 of 4 stars; one submission).

gnomAD v4.1: 11 of 1,539,514 alleles (0.00071%); highest among the groups gnomAD compares: African/African-American, 0.0014%; no homozygotes.

Submission:

CeGaT Center for Human Genetics Tuebingen
Classification: Uncertain significance. Last evaluated: 2026-06-01. Review status: criteria provided, single submitter. Criteria: CeGaT Center For Human Genetics Tuebingen Variant Classification Criteria Version 2. Collection method: clinical testing. Allele origin: germline. Affected: yes. Observed: 1 variant allele.
Comment: SLC12A2: PM2, BP4

NM_001046.3(SLC12A2):c.3305T>C (p.Ile1102Thr)

Gene: SLC12A2 (solute carrier family 12 member 2; plus strand). Cytogenetic location: 5q23.3.
Variant type: single nucleotide variant.
Coding change: c.3305T>C on transcript NM_001046.3 (MANE Select); coding-DNA position 3305, T replaced by C.
Protein change: p.Ile1102Thr; replaces isoleucine 1102 with threonine.
Molecular consequence: missense variant. On other transcripts: non-coding transcript variant (1).
Genome position (GRCh38, 1-based): chr5:128,184,371, T>C. VCF-style: chr5-128184371-T-C. GRCh37 (hg19) VCF-style: chr5-127520063-T-C.
Other names: c.3257T>C, p.Ile1086Thr (NM_001256461.2); short protein forms I1086T, I1102T.
Identifiers: ClinVar variation 4872604 (VCV004872604.2).